The following is an entry in ClinVar:

ClinVar aggregate classification (germline): Uncertain significance (1 of 4 stars; one submission).

Allele frequency attached by ClinVar (database versions not stated): gnomAD exomes below 0.00001.
gnomAD v4.1: 2 of 1,614,034 alleles (0.00012%); highest among the groups gnomAD compares: Non-Finnish European, 0.00017%; no homozygotes.

Submission:

GeneDx
Classification: Uncertain significance. Last evaluated: 2019-07-10. Review status: criteria provided, single submitter. Criteria: GeneDx Variant Classification Process June 2021. Collection method: clinical testing. Allele origin: germline. Affected: yes.
Comment: Not observed in large population cohorts (Lek et al., 2016); In silico analysis, which includes protein predictors and evolutionary conservation, supports a deleterious effect; Has not been previously published as pathogenic or benign to our knowledge

NM_000097.7(CPOX):c.937C>A (p.Pro313Thr)

Gene: CPOX (coproporphyrinogen oxidase; minus strand). Cytogenetic location: 3q11.2.
Variant type: single nucleotide variant.
Coding change: c.937C>A on transcript NM_000097.7 (MANE Select); coding-DNA position 937, C replaced by A.
Protein change: p.Pro313Thr; replaces proline 313 with threonine.
Molecular consequence: missense variant.
Genome position (GRCh38, 1-based): chr3:98,588,729, G>T on the plus strand (C>A on the coding strand, the complement: CPOX is on the minus strand). VCF-style: chr3-98588729-G-T. GRCh37 (hg19) VCF-style: chr3-98307573-G-T.
Other names: short protein forms P313T.
Identifiers: ClinVar variation 1306846 (VCV001306846.2), dbSNP rs2107126046, ClinGen allele CA353645325.